The following is an entry in ClinVar:

ClinVar aggregate classification (germline): Uncertain significance (1 of 4 stars; one submission).

Submission:

Labcorp Genetics (formerly Invitae), Labcorp
Classification: Uncertain significance. Last evaluated: 2023-08-10. Review status: criteria provided, single submitter. Criteria: Invitae Variant Classification Sherloc (09022015). Collection method: clinical testing. Allele origin: germline.
Comment: This variant is not present in population databases (gnomAD no frequency). This sequence change replaces glutamic acid, which is acidic and polar, with valine, which is neutral and non-polar, at codon 270 of the DMXL2 protein (p.Glu270Val). In summary, the available evidence is currently insufficient to determine the role of this variant in disease. Therefore, it has been classified as a Variant of Uncertain Significance. An algorithm developed to predict the effect of missense changes on protein structure and function (PolyPhen-2) suggests that this variant is likely to be disruptive. ClinVar contains an entry for this variant (Variation ID: 2122478). This variant has not been reported in the literature in individuals affected with DMXL2-related conditions.

NM_001378457.1(DMXL2):c.809A>T (p.Glu270Val)

Gene: DMXL2 (Dmx like 2; minus strand). Cytogenetic location: 15q21.2.
Variant type: single nucleotide variant.
Coding change: c.809A>T on transcript NM_001378457.1 (MANE Select); coding-DNA position 809, A replaced by T.
Protein change: p.Glu270Val; replaces glutamic acid 270 with valine.
Molecular consequence: missense variant. On other transcripts: non-coding transcript variant (2).
Genome position (GRCh38, 1-based): chr15:51,545,704, T>A on the plus strand (A>T on the coding strand, the complement: DMXL2 is on the minus strand). VCF-style: chr15-51545704-T-A. GRCh37 (hg19) VCF-style: chr15-51837901-T-A.
Other names: c.809A>T, p.Glu270Val (NM_001174116.3, NM_001174117.3, NM_001378458.1 and 7 more transcripts); short protein forms E270V.
Identifiers: ClinVar variation 2122478 (VCV002122478.4), dbSNP rs2548638207, ClinGen allele CA392469077.